The following is an entry in ClinVar:

ClinVar aggregate classification (germline): Likely pathogenic (1 of 4 stars; one submission).

Conditions:
Thyroid dyshormonogenesis 6 (TDH6). Also called: THYROID HORMONOGENESIS, GENETIC DEFECT IN, 6; Genetic transient congenital hypothyroidism; HYPOTHYROIDISM, CONGENITAL, DUE TO DYSHORMONOGENESIS, 6. Identifiers: Orphanet 226316, Orphanet 95716, MedGen C1846632, MONDO:0011792, OMIM 607200.

Submission:

Women's Health and Genetics/Laboratory Corporation of America, LabCorp
Classification: Likely pathogenic for Thyroid dyshormonogenesis 6. Last evaluated: 2024-10-04. Review status: criteria provided, single submitter. Criteria: LabCorp Variant Classification Summary - May 2015. Collection method: clinical testing. Allele origin: germline.
Comment: Variant summary: DUOX2 c.4524+1G>C is located in a canonical splice-site and is predicted to affect mRNA splicing resulting in a significantly altered protein due to either exon skipping, shortening, or inclusion of intronic material. Variants that disrupt the consensus splice site are a relatively common cause of aberrant splicing and loss of DUOX2 function. Several computational tools predict a significant impact on normal splicing: Four predict the variant abolishes the canonical 5' splicing donor site. However, these predictions have yet to be confirmed by functional studies. The variant was absent in 249208 control chromosomes. To our knowledge, no occurrence of c.4524+1G>C in individuals affected with Thyroid Dyshormonogenesis 6 and no experimental evidence demonstrating its impact on protein function have been reported. At-least one missense variant in Exon 34 has been associated with disease in ClinVar (c.4552G>A p.Gly1518Ser). No submitters have cited clinical-significance assessments for this variant to ClinVar. Based on the evidence outlined above, the variant was classified as likely pathogenic.

NM_001363711.2(DUOX2):c.4524+1G>C

Gene: DUOX2 (dual oxidase 2; minus strand). Cytogenetic location: 15q21.1.
Variant type: single nucleotide variant.
Coding change: c.4524+1G>C on transcript NM_001363711.2 (MANE Select); the canonical splice donor site of the intron after coding-DNA position 4524, G replaced by C.
Molecular consequence: splice donor variant.
Genome position (GRCh38, 1-based): chr15:45,094,562, C>G on the plus strand (G>C on the coding strand, the complement: DUOX2 is on the minus strand). VCF-style: chr15-45094562-C-G. GRCh37 (hg19) VCF-style: chr15-45386760-C-G.
Other names: c.4524+1G>C (NM_014080.5).
Identifiers: ClinVar variation 3384935 (VCV003384935.1).